The following is an entry in ClinVar:

NM_002103.5(GYS1):c.678C>T (p.Asn226=)

Gene: GYS1 (glycogen synthase 1; minus strand). Cytogenetic location: 19q13.33.
Variant type: single nucleotide variant.
Coding change: c.678C>T on transcript NM_002103.5 (MANE Select); coding-DNA position 678, C replaced by T.
Protein change: p.Asn226=; no amino-acid change (asparagine 226 retained).
Molecular consequence: synonymous variant. On other transcripts: non-coding transcript variant (1).
Genome position (GRCh38, 1-based): chr19:48,985,850, G>A on the plus strand (C>T on the coding strand, the complement: GYS1 is on the minus strand). VCF-style: chr19-48985850-G-A. GRCh37 (hg19) VCF-style: chr19-49489107-G-A.
Other names: c.678C>T (NM_002103.4); c.486C>T, p.Asn162= (NM_001161587.2).
Identifiers: ClinVar variation 1406713 (VCV001406713.7), dbSNP rs760384808, ClinGen allele CA9563272.

ClinVar aggregate classification (germline): Conflicting classifications of pathogenicity. Review status: criteria provided, conflicting classifications (1 of 4 stars). 2 submissions from 2 submitters: Uncertain significance (1); Likely benign (1). Last evaluated 2026-01-03.

Conditions:
GYS1-related disorder. Also called: GYS1-related condition.
Glycogen storage disease due to muscle and heart glycogen synthase deficiency. Also called: GSD 0b; MUSCLE GLYCOGEN SYNTHASE DEFICIENCY. Identifiers: Orphanet 137625, MedGen C1969054, MONDO:0012693, OMIM 611556.

Allele frequency attached by ClinVar (database versions not stated): gnomAD exomes 0.00002 and 0.00004; TOPMed 0.00002; gnomAD 0.00003; ExAC 0.00005.
gnomAD v4.1: 29 of 1,612,928 alleles (0.0018%); highest among the groups gnomAD compares: East Asian, 0.016%; no homozygotes.

Submissions (2):

PreventionGenetics, part of Exact Sciences
Classification: Likely benign for GYS1-related condition. Last evaluated: 2026-01-03. Review status: criteria provided, single submitter. Criteria: ACMG Guidelines, 2015. Collection method: clinical testing. Allele origin: germline.
Comment: This variant is classified as likely benign based on ACMG/AMP sequence variant interpretation guidelines (Richards et al. 2015 PMID: 25741868, with internal and published modifications).

Labcorp Genetics (formerly Invitae), Labcorp
Classification: Uncertain significance for Glycogen storage disease due to muscle and heart glycogen synthase deficiency. Last evaluated: 2022-04-04. Review status: criteria provided, single submitter. Criteria: Invitae Variant Classification Sherloc (09022015). Collection method: clinical testing. Allele origin: germline.
Comment: This sequence change affects codon 226 of the GYS1 mRNA. It is a 'silent' change, meaning that it does not change the encoded amino acid sequence of the GYS1 protein. It affects a nucleotide within the consensus splice site. This variant is present in population databases (rs760384808, gnomAD 0.01%). This variant has not been reported in the literature in individuals affected with GYS1-related conditions. Algorithms developed to predict the effect of sequence changes on RNA splicing suggest that this variant is not likely to affect RNA splicing. In summary, the available evidence is currently insufficient to determine the role of this variant in disease. Therefore, it has been classified as a Variant of Uncertain Significance.